The following is an entry in ClinVar:

ClinVar aggregate classification (germline): Pathogenic/Likely pathogenic. Review status: criteria provided, multiple submitters, no conflicts (2 of 4 stars). 12 submissions from 12 submitters: Pathogenic (4); Likely pathogenic (3). 5 of the submissions do not count toward it. Last evaluated 2025-02-27.

Conditions:
BRCA1-related disorder. Also called: BRCA1-related condition.
Hereditary cancer-predisposing syndrome. Also called: Tumor predisposition; Neoplastic Syndromes, Hereditary; Hereditary Cancer Syndrome; Hereditary neoplastic syndrome. Identifiers: Orphanet 140162, MedGen C0027672, MeSH D009386, MONDO:0015356.
Breast-ovarian cancer, familial, susceptibility to, 1 (BROVCA1). Also called: OVARIAN CANCER, SUSCEPTIBILITY TO; BRCA1 Hereditary Breast and Ovarian Cancer. Identifiers: Orphanet 145, MedGen C2676676, MONDO:0011450, OMIM 604370. Disease mechanism: loss of function.
Hereditary breast ovarian cancer syndrome. Also called: Hereditary breast and ovarian cancer syndrome (HBOC); Hereditary breast and ovarian cancer syndrome; Hereditary breast and ovarian cancer; Hereditary breast and/or ovarian cancer syndrome; Breast and ovarian cancer; BRCA1- and BRCA2-Associated Hereditary Breast and Ovarian Cancer. Identifiers: Orphanet 145, MedGen C0677776, MeSH D061325, MONDO:0003582. Disease mechanism: loss of function.
Familial cancer of breast. Also called: Hereditary breast cancer; hereditary breast carcinoma; BREAST CANCER, FAMILIAL. Identifiers: Orphanet 227535, MedGen C0346153, MONDO:0016419, OMIM 114480. Disease mechanism: loss of function.

Submissions 1 to 9 of 13:

Ambry Genetics
Classification: Pathogenic for Hereditary cancer-predisposing syndrome. Last evaluated: 2025-02-27. Review status: criteria provided, single submitter. Criteria: Ambry Variant Classification Scheme 2023. Collection method: clinical testing. Allele origin: germline.
Comment: The p.T1691I pathogenic variant (also known as c.5072C>T), located in coding exon 15 of the BRCA1 gene, results from a C to T substitution at nucleotide position 5072. The threonine at codon 1691 is replaced by isoleucine, an amino acid with similar properties. Multiple RNA studies show that this alteration results in out-of-frame skipping of coding exon 15 (also called Exon 17 in the literature), however this event may be incomplete (Ambry internal data; Ahlborn LB et al. Breast Cancer Res. Treat. 2015 Apr; 150(2):289-98). One downstream functional study found that this nucleotide substitution is deleterious in a high throughput genome editing haploid cell survival assay and that this event may be, at least in part, due to an RNA defect (Findlay GM et al. Nature. 2018 10;562:217-222). In addition, multiple protein functional assays, including a cell-based transcription activation assay and a homology directed DNA repair assay found that this protein effect was non-functional leading to the possibility of a combined deleterious RNA and protein effect (Lee MS et al. Cancer Res. 2010 Jun; 70(12):4880-90; Petitalot A et al. Mol. Cancer Res. 2019 01;17:54-69). This variant was not reported in population-based cohorts in the Genome Aggregation Database (gnomAD). This amino acid position is highly conserved in available vertebrate species. In silico splice site analysis predicts that this alteration will weaken the native splice donor site. Based on the supporting evidence, this alteration is interpreted as a disease-causing mutation.

GeneDx
Classification: Likely pathogenic. Last evaluated: 2024-08-06. Review status: criteria provided, single submitter. Criteria: GeneDx Variant Classification Process June 2021. Collection method: clinical testing. Allele origin: germline. Affected: yes.
Comment: Exonic splice variant demonstrated to disrupt a natural splice donor site, leading to out-of-frame skipping of exon 16 (also known as exon 17 using alternate numbering), as well as a minor amount of normal transcript, as shown via mini-gene assay (PMID: 25724305); Variant classified as non-functional based on a saturation genome editing (SGE) assay measuring cell survival, that accounts for splice impact (PMID: 30209399); Published functional studies measuring protein impact demonstrate a damaging effect: severe folding defect, compromised phosphopeptide selectivity and transcriptional activation, and non-functional homology directed DNA repair (PMID: 20516115, 35665744, 32546644); In silico analysis supports a deleterious effect on splicing; In silico analysis supports that this missense variant has a deleterious effect on protein structure/function; Identified in a patient with a personal history consistent with pathogenic variants in this gene (PMID: 29470806); Not observed in large population cohorts (gnomAD); Also known as 5191C>T; This variant is associated with the following publications: (PMID: 20516115, 17305420, 23867111, 25782689, 26913838, 28781887, 30209399, 30787465, 35665744, 31447099, 34597585, 30765603, 29470806, 31843900, 25348405, 32546644, 25724305)

Quest Diagnostics Nichols Institute San Juan Capistrano
Classification: Pathogenic. Last evaluated: 2023-11-29. Review status: criteria provided, single submitter. Criteria: Quest Diagnostics criteria. Collection method: clinical testing. Allele origin: unknown.
Comment: The BRCA1 c.5072C>T (p.Thr1691Ile) variant has been reported in the published literature in an individual affected with breast and/or ovarian cancer (PMID: 29470806 (2018)). Functional evidence suggests that this variant may impact protein function (PMIDs: 20516115 (2010), 23867111 (2013), 25724305 (2015), 30257991 (2018), 30209399 (2018), 30765603 (2019), and 31843900 (2019)). This variant has not been reported in large, multi-ethnic general populations (Genome Aggregation Database). Analysis of this variant using software algorithms for the prediction of the effect of nucleotide changes on splicing yielded predictions that this variant may affect proper BRCA1 mRNA splicing. Based on the available information, this variant is classified as pathogenic.

Labcorp Genetics (formerly Invitae), Labcorp
Classification: Pathogenic for Hereditary breast ovarian cancer syndrome. Last evaluated: 2023-10-04. Review status: criteria provided, single submitter. Criteria: Invitae Variant Classification Sherloc (09022015). Collection method: clinical testing. Allele origin: germline.
Comment: This sequence change replaces threonine, which is neutral and polar, with isoleucine, which is neutral and non-polar, at codon 1691 of the BRCA1 protein (p.Thr1691Ile). This variant is not present in population databases (gnomAD no frequency). This missense change has been observed in individual(s) with breast cancer, ovarian cancer, pancreatic cancer, and/or prostate cancer (PMID: 29202330, 29470806, 31843900; Invitae). It has also been observed to segregate with disease in related individuals. This variant is also known as c.5135C>T (p.Thr1712Ile). ClinVar contains an entry for this variant (Variation ID: 37628). An algorithm developed specifically for the BRCA1 gene suggests that this missense change is likely to be deleterious (PMID: 17305420). Experimental studies have shown that this missense change affects BRCA1 function (PMID: 20516115, 28781887, 30209399, 30257991, 30765603). Studies have shown that this missense change alters mRNA splicing and is expected to lead to the loss of protein expression (PMID: 25724305, 31843900). For these reasons, this variant has been classified as Pathogenic.

Mendelics
Classification: Pathogenic for Familial cancer of breast. Last evaluated: 2022-05-04. Review status: criteria provided, single submitter. Criteria: Mendelics Assertion Criteria 2019. Collection method: clinical testing. Allele origin: germline.

Revvity Omics, Revvity
Classification: Likely pathogenic. Last evaluated: 2019-01-28. Review status: criteria provided, single submitter. Criteria: ACMG Guidelines, 2015. Collection method: clinical testing. Allele origin: germline.

Molecular Endocrinology Laboratory, Christian Medical College
Classification: Likely pathogenic for Breast-ovarian cancer, familial, susceptibility to, 1. Review status: criteria provided, single submitter. Criteria: ACMG Guidelines, 2015. Collection method: clinical testing. Allele origin: germline. Affected: yes.

PreventionGenetics, part of Exact Sciences
Classification: Pathogenic for BRCA1-related condition. Last evaluated: 2024-05-31. Review status: no assertion criteria provided. Collection method: clinical testing. Allele origin: germline. Not counted in ClinVar's aggregate classification.
Comment: The BRCA1 c.5072C>T variant is predicted to result in the amino acid substitution p.Thr1691Ile. This variant has been reported in individuals with breast and/or ovarian cancer and in a cohort of individuals with breast, ovarian, endometrial, or colon cancer (Table S2, Singh et al. 2018. PubMed ID: 29470806; Tables S6 and S8, Casadei et al. 2019. PubMed ID: 31843900; Caputo et al. 2021. PubMed ID: 34597585). Real time-PCR and in vitro experimental studies suggest this variant impacts mRNA splicing and protein function (see, for example, Ahlborn et al. 2015. PubMed ID: 25724305; Casadei et al. 2019. PubMed ID: 31843900; Supplementary Figure 1a, Lee et al. 2010. PubMed ID: 20516115; Tables 1 and S2, Bouwman et al. 2020. PubMed ID: 32546644). Alternative nucleotide changes affecting the same amino acid (p.Thr1691Lys, p.Thr1691Arg) have been reported in ClinVar as likely pathogenic/pathogenic (see ClinVar IDs:37627, 55373). This variant has not been reported in a large population database, indicating it is rare. In Clinvar, this variant is reported as pathogenic or likely pathogenic. This variant is interpreted as pathogenic.

King Laboratory, University of Washington
Classification: Pathogenic for Hereditary breast and ovarian cancer syndrome; Breast-ovarian cancer, familial 1. Last evaluated: 2019-09-01. Review status: no assertion criteria provided. Collection method: research. Allele origin: germline. Affected: yes. Not counted in ClinVar's aggregate classification.
Comment: Transcript analysis by cBROCA

NM_007294.4(BRCA1):c.5072C>T (p.Thr1691Ile)

Gene: BRCA1 (BRCA1 DNA repair associated; minus strand). Cytogenetic location: 17q21.31.
Variant type: single nucleotide variant.
Coding change: c.5072C>T on transcript NM_007294.4 (MANE Select); coding-DNA position 5072, C replaced by T.
Protein change: p.Thr1691Ile; replaces threonine 1691 with isoleucine.
Molecular consequence: missense variant. On other transcripts: non-coding transcript variant (1).
Genome position (GRCh38, 1-based): chr17:43,067,610, G>A on the plus strand (C>T on the coding strand, the complement: BRCA1 is on the minus strand). VCF-style: chr17-43067610-G-A. GRCh37 (hg19) VCF-style: chr17-41219627-G-A.
Other names: c.4859C>T, p.Thr1620Ile (NM_001407571.1, NM_001407894.1, NM_001407895.1 and 12 more transcripts); c.5138C>T, p.Thr1713Ile (NM_001407581.1, NM_001407582.1); c.5135C>T, p.Thr1712Ile (NM_001407583.1, NM_001407585.1, NM_001407587.1 and 1 more transcripts); c.5132C>T, p.Thr1711Ile (NM_001407590.1, NM_001407591.1); c.5072C>T, p.Thr1691Ile (NM_001407593.1, NM_001407594.1, NM_001407596.1 and 8 more transcripts); c.5069C>T, p.Thr1690Ile (NM_001407610.1, NM_001407611.1, NM_001407612.1 and 17 more transcripts); c.5066C>T, p.Thr1689Ile (NM_001407627.1, NM_001407628.1, NM_001407629.1 and 14 more transcripts); c.5063C>T, p.Thr1688Ile (NM_001407644.1, NM_001407645.1); and 70 more; short protein forms T1691I, T1712I, T1644I, T587I, T1395I, T1619I, T1620I, T1649I.
Identifiers: ClinVar variation 37628 (VCV000037628.32), dbSNP rs80357034, ClinGen allele CA003190.